The following is an entry in ClinVar:

ClinVar aggregate classification (germline): Benign/Likely benign. Review status: criteria provided, multiple submitters, no conflicts (2 of 4 stars). 5 submissions from 5 submitters: Benign (1); Likely benign (4). Last evaluated 2025-11-11.

Conditions:
Hereditary cancer-predisposing syndrome. Also called: Tumor predisposition; Hereditary neoplastic syndrome; Neoplastic Syndromes, Hereditary; Hereditary Cancer Syndrome. Identifiers: Orphanet 140162, MedGen C0027672, MeSH D009386, MONDO:0015356.
Ataxia-telangiectasia syndrome (AT). Also called: Ataxia-telangiectasia, complementation group D; AT, COMPLEMENTATION GROUP C; ATAXIA-TELANGIECTASIA, COMPLEMENTATION GROUP A; ATAXIA-TELANGIECTASIA, FRESNO VARIANT; Ataxia-telangiectasia; LOUIS-BAR SYNDROME. Identifiers: Orphanet 100, MedGen C0004135, MONDO:0008840, OMIM 208900.
Familial cancer of breast. Also called: Hereditary breast cancer; BREAST CANCER, FAMILIAL; hereditary breast carcinoma. Identifiers: Orphanet 227535, MedGen C0346153, MONDO:0016419, OMIM 114480. Disease mechanism: loss of function.

Allele frequency attached by ClinVar (database versions not stated): gnomAD 0.00002; gnomAD exomes 0.00001.

Submissions (5):

Labcorp Genetics (formerly Invitae), Labcorp
Classification: Likely benign for Ataxia-telangiectasia syndrome. Last evaluated: 2025-11-11. Review status: criteria provided, single submitter. Criteria: Invitae Variant Classification Sherloc (09022015). Collection method: clinical testing. Allele origin: germline.

Myriad Genetics, Inc.
Classification: Likely benign for Familial cancer of breast. Last evaluated: 2024-06-07. Review status: criteria provided, single submitter. Criteria: Myriad Autosomal Dominant, Autosomal Recessive and X-Linked Classification Criteria (2023). Collection method: clinical testing. Allele origin: unknown.
Comment: This variant is considered likely benign. This variant is intronic and is not expected to impact mRNA splicing.

Blueprint Genetics
Classification: Likely benign. Last evaluated: 2024-04-08. Review status: criteria provided, single submitter. Criteria: ACMG Guidelines, 2015. Collection method: clinical testing. Allele origin: germline.

Color Diagnostics, LLC DBA Color Health
Classification: Likely benign for Hereditary cancer-predisposing syndrome. Last evaluated: 2017-02-28. Review status: criteria provided, single submitter. Criteria: ACMG Guidelines, 2015. Collection method: clinical testing. Allele origin: germline.

GeneDx
Classification: Benign. Last evaluated: 2015-09-22. Review status: criteria provided, single submitter. Criteria: GeneDx Variant Classification Process June 2021. Collection method: clinical testing. Allele origin: germline. Affected: yes.

NM_000051.4(ATM):c.6573-17dup

Genes: ATM (ATM serine/threonine kinase; plus strand), C11orf65 (chromosome 11 open reading frame 65; minus strand). Cytogenetic location: 11q22.3.
Variant type: Duplication.
Coding change: c.6573-17dup on transcript NM_000051.4 (MANE Select); 17 bases into the intron before coding-DNA position 6573, one base duplicated (T; older notation c.6573-17dupT).
Molecular consequence: intron variant.
Genome position (GRCh38, 1-based): chr11:108,325,293, T duplicated. VCF-style (leftmost placement, unchanged base first): chr11-108325292-C-CT. GRCh37 (hg19) VCF-style: chr11-108196019-C-CT.
Other names: c.641-16222dup (NM_001330368.2); c.*38+9927dup (NM_001351110.2); c.6573-17dup (NM_001351834.2); c.6573-17dupT (NM_000051.3).
Identifiers: ClinVar variation 627792 (VCV000627792.15), dbSNP rs1565517900, ClinGen allele CA913188424.
Genomic context (GRCh38, chr11:108,325,292, plus strand): 5'-GTTCCAGAACTTACATAGTTTTTTTTTTTTTTTTTTTCATTTCTCTTGCTTACATGAACT[C>CT]TATGTCGTGGCATTCAGATCAGTCACACATAGACAACTCTCTGAAGTATATATTAAGTGG-3'